The following is an entry in ClinVar:

NM_021975.4(RELA):c.1608C>T (p.Ser536=)

Gene: RELA (RELA proto-oncogene, NF-kB subunit; minus strand). Cytogenetic location: 11q13.1.
Variant type: single nucleotide variant.
Coding change: c.1608C>T on transcript NM_021975.4 (MANE Select); coding-DNA position 1608, C replaced by T.
Protein change: p.Ser536=; no amino-acid change (serine 536 retained).
Molecular consequence: synonymous variant.
Genome position (GRCh38, 1-based): chr11:65,654,426, G>A on the plus strand (C>T on the coding strand, the complement: RELA is on the minus strand). VCF-style: chr11-65654426-G-A. GRCh37 (hg19) VCF-style: chr11-65421897-G-A.
Other names: c.1599C>T, p.Ser533= (NM_001145138.2); c.1401C>T, p.Ser467= (NM_001243984.2); c.1299C>T, p.Ser433= (NM_001243985.2); c.1641C>T, p.Ser547= (NM_001404657.1); c.1581C>T, p.Ser527= (NM_001404658.1); c.1395C>T, p.Ser465= (NM_001404659.1); c.1290C>T, p.Ser430= (NM_001404660.1); c.1227C>T, p.Ser409= (NM_001404661.1); and 1 more.
Identifiers: ClinVar variation 2830170 (VCV002830170.7), dbSNP rs2496822612, ClinGen allele CA475305285.

ClinVar aggregate classification (germline): Likely benign. Review status: criteria provided, multiple submitters, no conflicts (2 of 4 stars). 2 submissions from 2 submitters: Likely benign (2). Last evaluated 2026-02-01.

Allele frequency attached by ClinVar (database versions not stated): gnomAD exomes below 0.00001.
gnomAD v4.1: 1 of 1,611,410 alleles (0.000062%); highest among the groups gnomAD compares: Non-Finnish European, 0.000085%; no homozygotes.

Submissions (2):

CeGaT Center for Human Genetics Tuebingen
Classification: Likely benign. Last evaluated: 2026-02-01. Review status: criteria provided, single submitter. Criteria: CeGaT Center For Human Genetics Tuebingen Variant Classification Criteria Version 2. Collection method: clinical testing. Allele origin: germline. Affected: yes. Observed: 1 variant allele.
Comment: RELA: BP4, BP7

Labcorp Genetics (formerly Invitae), Labcorp
Classification: Likely benign. Last evaluated: 2025-07-14. Review status: criteria provided, single submitter. Criteria: Invitae Variant Classification Sherloc (09022015). Collection method: clinical testing. Allele origin: germline.